The following is an entry in ClinVar:

ClinVar aggregate classification (germline): Uncertain significance. Review status: criteria provided, multiple submitters, no conflicts (2 of 4 stars). 2 submissions from 2 submitters: Uncertain significance (2). Last evaluated 2025-06-22.

Conditions:
Primary ciliary dyskinesia 28. Also called: CILIARY DYSKINESIA, PRIMARY, 28, WITH OR WITHOUT SITUS INVERSUS. Identifiers: Orphanet 244, MedGen C3809706, MONDO:0014216, OMIM 615505.
Primary ciliary dyskinesia. Also called: Ciliary dyskinesia. Identifiers: Orphanet 244, MedGen C0008780, MONDO:0016575, HP:0012265.

gnomAD v4.1: 24 of 1,484,640 alleles (0.0016%); highest among the groups gnomAD compares: Middle Eastern, 0.035%; no homozygotes.

Submissions (2):

Ambry Genetics
Classification: Uncertain significance for Primary ciliary dyskinesia. Last evaluated: 2025-06-22. Review status: criteria provided, single submitter. Criteria: Ambry Variant Classification Scheme 2023. Collection method: clinical testing. Allele origin: germline.

Labcorp Genetics (formerly Invitae), Labcorp
Classification: Uncertain significance for Primary ciliary dyskinesia 28. Last evaluated: 2025-02-12. Review status: criteria provided, single submitter. Criteria: Invitae Variant Classification Sherloc (09022015). Collection method: clinical testing. Allele origin: germline.
Comment: This sequence change replaces glycine, which is neutral and non-polar, with alanine, which is neutral and non-polar, at codon 383 of the SPAG1 protein (p.Gly383Ala). This variant is not present in population databases (gnomAD no frequency). This variant has not been reported in the literature in individuals affected with SPAG1-related conditions. Invitae Evidence Modeling of protein sequence and biophysical properties (such as structural, functional, and spatial information, amino acid conservation, physicochemical variation, residue mobility, and thermodynamic stability) indicates that this missense variant is not expected to disrupt SPAG1 protein function with a negative predictive value of 80%. In summary, the available evidence is currently insufficient to determine the role of this variant in disease. Therefore, it has been classified as a Variant of Uncertain Significance.

NM_003114.5(SPAG1):c.1148G>C (p.Gly383Ala)

Gene: SPAG1 (sperm associated antigen 1; plus strand). Cytogenetic location: 8q22.2.
Variant type: single nucleotide variant.
Coding change: c.1148G>C on transcript NM_003114.5 (MANE Select); coding-DNA position 1148, G replaced by C.
Protein change: p.Gly383Ala; replaces glycine 383 with alanine.
Molecular consequence: missense variant.
Genome position (GRCh38, 1-based): chr8:100,213,141, G>C. VCF-style: chr8-100213141-G-C. GRCh37 (hg19) VCF-style: chr8-101225369-G-C.
Other names: c.1148G>C, p.Gly383Ala (NM_001374321.1, NM_172218.3); short protein forms G383A.
Identifiers: ClinVar variation 4172447 (VCV004172447.2).